The following is an entry in ClinVar:

ClinVar aggregate classification (germline): Likely benign. Review status: criteria provided, multiple submitters, no conflicts (2 of 4 stars). 4 submissions from 4 submitters: Likely benign (4). Last evaluated 2025-06-24.

Conditions:
Hereditary breast ovarian cancer syndrome. Also called: Breast and ovarian cancer; Hereditary breast and/or ovarian cancer syndrome; BRCA1- and BRCA2-Associated Hereditary Breast and Ovarian Cancer; Hereditary breast and ovarian cancer syndrome; Hereditary breast and ovarian cancer syndrome (HBOC); Hereditary breast and ovarian cancer. Identifiers: Orphanet 145, MedGen C0677776, MeSH D061325, MONDO:0003582. Disease mechanism: loss of function.
Hereditary cancer-predisposing syndrome. Also called: Tumor predisposition; Hereditary Cancer Syndrome; Hereditary neoplastic syndrome; Neoplastic Syndromes, Hereditary. Identifiers: Orphanet 140162, MedGen C0027672, MeSH D009386, MONDO:0015356.

Allele frequency attached by ClinVar (database versions not stated): gnomAD exomes 0.00001; ExAC 0.00002.
gnomAD v4.1: 6 of 1,613,660 alleles (0.00037%); highest among the groups gnomAD compares: South Asian, 0.0066%; no homozygotes.

Submissions (5):

Labcorp Genetics (formerly Invitae), Labcorp
Classification: Likely benign for Hereditary breast ovarian cancer syndrome. Last evaluated: 2025-06-24. Review status: criteria provided, single submitter. Criteria: Invitae Variant Classification Sherloc (09022015). Collection method: clinical testing. Allele origin: germline.

Women's Health and Genetics/Laboratory Corporation of America, LabCorp
Classification: Likely benign. Last evaluated: 2025-04-16. Review status: criteria provided, single submitter. Criteria: LabCorp Variant Classification Summary - May 2015. Collection method: clinical testing. Allele origin: germline.
Comment: Variant summary: BRCA1 c.5332+7G>T alters a non-conserved nucleotide located at a position not widely known to affect splicing. Consensus agreement among computation tools predict no significant impact on normal splicing. Such results were confirmed by Findlay_2018. The variant allele was found at a frequency of 1.2e-05 in 251304 control chromosomes. The available data on variant occurrences in the general population are insufficient to allow any conclusion about variant significance. To our knowledge, no occurrence of c.5332+7G>T in individuals affected with Hereditary Breast And Ovarian Cancer Syndrome and no experimental evidence demonstrating its impact on protein function have been reported. The following publication has been ascertained in the context of this evaluation (PMID: 30209399). ClinVar contains an entry for this variant (Variation ID: 491106). Based on the evidence outlined above, the variant was classified as likely benign.

Quest Diagnostics Nichols Institute San Juan Capistrano
Classification: Likely benign. Last evaluated: 2022-09-16. Review status: criteria provided, single submitter. Criteria: Quest Diagnostics criteria. Collection method: clinical testing. Allele origin: unknown.

Color Diagnostics, LLC DBA Color Health
Classification: Likely benign for Hereditary cancer-predisposing syndrome. Last evaluated: 2022-01-03. Review status: criteria provided, single submitter. Criteria: ACMG Guidelines, 2015. Collection method: clinical testing. Allele origin: germline.

Brotman Baty Institute, University of Washington
No classification provided (evidence only). Condition: Breast-ovarian cancer, familial 1. Review status: no classification provided. Collection method: in vitro. Allele origin: not applicable. Functional consequence: functionally_normal. Not counted in ClinVar's aggregate classification.
ClinVar note: "not provided" was previously submitted as the classification for the variant. However, the classification appeared to be based only on an observation of functional data so it was converted to no classification on 2025-07-30.

Literature cited by the submitters: PubMed 30209399 (cited by Women's Health and Genetics/Laboratory Corporation of America, LabCorp and Quest Diagnostics Nichols Institute San Juan Capistrano).

NM_007294.4(BRCA1):c.5332+7G>T

Gene: BRCA1 (BRCA1 DNA repair associated; minus strand). Cytogenetic location: 17q21.31.
Variant type: single nucleotide variant.
Coding change: c.5332+7G>T on transcript NM_007294.4 (MANE Select); 7 bases into the intron after coding-DNA position 5332, G replaced by T.
Molecular consequence: intron variant.
Genome position (GRCh38, 1-based): chr17:43,051,056, C>A on the plus strand (G>T on the coding strand, the complement: BRCA1 is on the minus strand). VCF-style: chr17-43051056-C-A. GRCh37 (hg19) VCF-style: chr17-41203073-C-A.
Other names: c.1879+7G>T (NM_001408458.1, NM_001408461.1, NM_001408464.1 and 7 more transcripts); c.4441+7G>T (NM_001407967.1); c.4951+7G>T (NM_001407959.1); c.5065+7G>T (NM_001407931.1, NM_001407932.1, NM_001407928.1 and 4 more transcripts); c.5188+7G>T (NM_001407747.1, NM_001407745.1, NM_001407737.1 and 21 more transcripts); c.4948+7G>T (NM_001407962.1, NM_001407960.1); c.1519+7G>T (NM_001408512.1); c.1642+7G>T (NM_001408510.1); and 74 more.
Identifiers: ClinVar variation 491106 (VCV000491106.22), dbSNP rs773655919, ClinGen allele CA054553.